The following is an entry in ClinVar:

NM_001035.3(RYR2):c.5723T>C (p.Leu1908Pro)

Gene: RYR2 (ryanodine receptor 2; plus strand). Cytogenetic location: 1q43.
Variant type: single nucleotide variant.
Coding change: c.5723T>C on transcript NM_001035.3 (MANE Select); coding-DNA position 5723, T replaced by C.
Protein change: p.Leu1908Pro; replaces leucine 1908 with proline.
Molecular consequence: missense variant.
Genome position (GRCh38, 1-based): chr1:237,617,293, T>C. VCF-style: chr1-237617293-T-C. GRCh37 (hg19) VCF-style: chr1-237780593-T-C.
Other names: short protein forms L1908P.
Identifiers: ClinVar variation 2711808 (VCV002711808.3), dbSNP rs2546816356, ClinGen allele CA345406815.

ClinVar aggregate classification (germline): Uncertain significance (1 of 4 stars; one submission).

Conditions:
Catecholaminergic polymorphic ventricular tachycardia 1. Also called: VENTRICULAR TACHYCARDIA, CATECHOLAMINERGIC POLYMORPHIC, 1, WITH OR WITHOUT ATRIAL DYSFUNCTION AND/OR DILATED CARDIOMYOPATHY; VENTRICULAR TACHYCARDIA, STRESS-INDUCED POLYMORPHIC 1; RYR2-Related Catecholaminergic Polymorphic Ventricular Tachycardia. Identifiers: Orphanet 3286, MedGen C1631597, MONDO:0011484, OMIM 604772.

Submission:

Labcorp Genetics (formerly Invitae), Labcorp
Classification: Uncertain significance for Catecholaminergic polymorphic ventricular tachycardia 1. Last evaluated: 2024-01-28. Review status: criteria provided, single submitter. Criteria: Invitae Variant Classification Sherloc (09022015). Collection method: clinical testing. Allele origin: germline.
Comment: This sequence change replaces leucine, which is neutral and non-polar, with proline, which is neutral and non-polar, at codon 1908 of the RYR2 protein (p.Leu1908Pro). This variant is not present in population databases (gnomAD no frequency). This variant has not been reported in the literature in individuals affected with RYR2-related conditions. Advanced modeling of protein sequence and biophysical properties (such as structural, functional, and spatial information, amino acid conservation, physicochemical variation, residue mobility, and thermodynamic stability) performed at Invitae indicates that this missense variant is not expected to disrupt RYR2 protein function with a negative predictive value of 95%. In summary, the available evidence is currently insufficient to determine the role of this variant in disease. Therefore, it has been classified as a Variant of Uncertain Significance.